The following is an entry in ClinVar:

NM_020117.11(LARS1):c.2533A>G (p.Arg845Gly)

Gene: LARS1 (leucyl-tRNA synthetase 1; minus strand). Cytogenetic location: 5q32.
Variant type: single nucleotide variant.
Coding change: c.2533A>G on transcript NM_020117.11 (MANE Select); coding-DNA position 2533, A replaced by G.
Protein change: p.Arg845Gly; replaces arginine 845 with glycine.
Molecular consequence: missense variant.
Genome position (GRCh38, 1-based): chr5:146,130,113, T>C on the plus strand (A>G on the coding strand, the complement: LARS1 is on the minus strand). VCF-style: chr5-146130113-T-C. GRCh37 (hg19) VCF-style: chr5-145509676-T-C.
Other names: c.2533A>G (NM_020117.9); c.2395A>G, p.Arg799Gly (NM_001317964.2); c.2371A>G, p.Arg791Gly (NM_001317965.2); c.2452A>G, p.Arg818Gly (NM_016460.4); short protein forms R791G, R799G, R818G, R845G.
Identifiers: ClinVar variation 2416271 (VCV002416271.6), dbSNP rs368057623, ClinGen allele CA3489304.

ClinVar aggregate classification (germline): Uncertain significance. Review status: criteria provided, multiple submitters, no conflicts (2 of 4 stars). 2 submissions from 2 submitters: Uncertain significance (2). Last evaluated 2025-08-28.

Allele frequency attached by ClinVar (database versions not stated): TOPMed 0.00002; gnomAD 0.00003; gnomAD exomes 0.00003; ExAC 0.00007; ESP Exome Variant Server 0.00008.
gnomAD v4.1: 45 of 1,613,730 alleles (0.0028%); highest among the groups gnomAD compares: Middle Eastern, 0.033%; no homozygotes.

Submissions (2):

Ambry Genetics
Classification: Uncertain significance. Last evaluated: 2025-08-28. Review status: criteria provided, single submitter. Criteria: Ambry Variant Classification Scheme 2023. Collection method: clinical testing. Allele origin: germline.

Labcorp Genetics (formerly Invitae), Labcorp
Classification: Uncertain significance. Last evaluated: 2023-10-13. Review status: criteria provided, single submitter. Criteria: Invitae Variant Classification Sherloc (09022015). Collection method: clinical testing. Allele origin: germline.
Comment: This sequence change replaces arginine, which is basic and polar, with glycine, which is neutral and non-polar, at codon 845 of the LARS protein (p.Arg845Gly). This variant is present in population databases (rs368057623, gnomAD 0.009%). This variant has not been reported in the literature in individuals affected with LARS-related conditions. ClinVar contains an entry for this variant (Variation ID: 2416271). Advanced modeling of protein sequence and biophysical properties (such as structural, functional, and spatial information, amino acid conservation, physicochemical variation, residue mobility, and thermodynamic stability) performed at Invitae indicates that this missense variant is not expected to disrupt LARS protein function. In summary, the available evidence is currently insufficient to determine the role of this variant in disease. Therefore, it has been classified as a Variant of Uncertain Significance.